The following is an entry in ClinVar:

ClinVar aggregate classification (germline): Likely benign. Review status: criteria provided, multiple submitters, no conflicts (2 of 4 stars). 2 submissions from 2 submitters: Likely benign (2). Last evaluated 2026-08-01.

Conditions:
Autosomal dominant nonsyndromic hearing loss 65. Also called: Deafness, autosomal dominant 65; TBC1D24-Related Autosomal Dominant Nonsyndromic Hearing Loss (DFNA). Identifiers: Orphanet 90635, MedGen C3892048, MONDO:0014470, OMIM 616044.
Developmental and epileptic encephalopathy, 1 (DEE1). Also called: OHTAHARA SYNDROME, X-LINKED; INFANTILE SPASM SYNDROME, X-LINKED 1; Epileptic encephalopathy, early infantile, 1; X-linked infantile spasms; West's syndrome; Tonic spasms with clustering, arrest of psychomotor development and hypsarrhythmia on EEG. Identifiers: MedGen C3463992, MONDO:0010632, OMIM 308350. Disease mechanism: loss of function.

Submissions (2):

CeGaT Center for Human Genetics Tuebingen
Classification: Likely benign. Last evaluated: 2026-08-01. Review status: criteria provided, single submitter. Criteria: CeGaT Center For Human Genetics Tuebingen Variant Classification Criteria Version 2. Collection method: clinical testing. Allele origin: germline. Affected: yes. Observed: 1 variant allele.
Comment: TBC1D24: BP4, BP7

Labcorp Genetics (formerly Invitae), Labcorp
Classification: Likely benign for Developmental and epileptic encephalopathy, 1; Autosomal dominant nonsyndromic hearing loss 65. Last evaluated: 2023-12-11. Review status: criteria provided, single submitter. Criteria: Invitae Variant Classification Sherloc (09022015). Collection method: clinical testing. Allele origin: germline.

NM_001199107.2(TBC1D24):c.1116C>A (p.Ser372=)

Gene: TBC1D24 (TBC1 domain family member 24; plus strand). Cytogenetic location: 16p13.3.
Variant type: single nucleotide variant.
Coding change: c.1116C>A on transcript NM_001199107.2 (MANE Select); coding-DNA position 1116, C replaced by A.
Protein change: p.Ser372=; no amino-acid change (serine 372 retained).
Molecular consequence: synonymous variant.
Genome position (GRCh38, 1-based): chr16:2,498,370, C>A. VCF-style: chr16-2498370-C-A. GRCh37 (hg19) VCF-style: chr16-2548371-C-A.
Other names: c.1098C>A, p.Ser366= (NM_020705.3).
Identifiers: ClinVar variation 2940253 (VCV002940253.20), dbSNP rs777694131, ClinGen allele CA493162513.